The following is an entry in ClinVar:

NM_006828.4(ASCC3):c.5200C>T (p.His1734Tyr)

Gene: ASCC3 (activating signal cointegrator 1 complex subunit 3; minus strand). Cytogenetic location: 6q16.3.
Variant type: single nucleotide variant.
Coding change: c.5200C>T on transcript NM_006828.4 (MANE Select); coding-DNA position 5200, C replaced by T.
Protein change: p.His1734Tyr; replaces histidine 1734 with tyrosine.
Molecular consequence: missense variant.
Genome position (GRCh38, 1-based): chr6:100,601,913, G>A on the plus strand (C>T on the coding strand, the complement: ASCC3 is on the minus strand). VCF-style: chr6-100601913-G-A. GRCh37 (hg19) VCF-style: chr6-101049789-G-A.
Other names: short protein forms H1734Y.
Identifiers: ClinVar variation 3361040 (VCV003361040.1).
Genomic context (GRCh38, chr6:100,601,913, plus strand): 5'-TATAATCCAATGCATCTTGCTTAGATGTAATTGTACCACCAGCAATCTCTGCATTTAAGT[G>A]GTCAGAGAGCACTCCTAATAAACTATATAGTGAACAAGACATGGGAAGCATACAAGAGCA-3'
Protein context (NP_006819.2, residues 1724-1744): ESSLLGVLSD[His1734Tyr]LNAEIAGGTI

ClinVar aggregate classification (germline): Uncertain significance (1 of 4 stars; one submission).

Submission:

GeneDx
Classification: Uncertain significance. Last evaluated: 2023-07-17. Review status: criteria provided, single submitter. Criteria: GeneDx Variant Classification Process June 2021. Collection method: clinical testing. Allele origin: germline. Affected: yes.
Comment: Not observed at significant frequency in large population cohorts (gnomAD); In silico analysis supports that this missense variant has a deleterious effect on protein structure/function; Has not been previously published as pathogenic or benign to our knowledge